The following is an entry in ClinVar:

ClinVar aggregate classification (germline): Likely benign (1 of 4 stars; one submission).

Conditions:
HK1-related disorder. Also called: HK1-related condition; HK1-related disorders.

gnomAD v4.1: 1 of 152,100 alleles (0.00066%); highest among the groups gnomAD compares: Admixed American, 0.0065%; no homozygotes.

Submission:

PreventionGenetics, part of Exact Sciences
Classification: Likely benign for HK1-related condition. Last evaluated: 2025-12-31. Review status: criteria provided, single submitter. Criteria: ACMG Guidelines, 2015. Collection method: clinical testing. Allele origin: germline.
Comment: This variant is classified as likely benign based on ACMG/AMP sequence variant interpretation guidelines (Richards et al. 2015 PMID: 25741868, with internal and published modifications).

NM_001358263.1(HK1):c.-293C>G

Gene: HK1 (hexokinase 1; plus strand). Cytogenetic location: 10q22.1.
Variant type: single nucleotide variant.
Coding change: c.-293C>G on transcript NM_001358263.1 (MANE Plus Clinical); 293 bases upstream of the start codon, C replaced by G.
Molecular consequence: 5 prime UTR variant. On other transcripts: intron variant (5).
Genome position (GRCh38, 1-based): chr10:69,278,688, C>G. VCF-style: chr10-69278688-C-G. GRCh37 (hg19) VCF-style: chr10-71038444-C-G.
Other names: c.-390-3841C>G (NM_033500.2); c.-195-3841C>G (NM_001322365.2, NM_033497.3); c.-249-3841C>G (NM_033498.3); c.-74+8580C>G (NM_001322364.2).
Identifiers: ClinVar variation 4978199 (VCV004978199.1).